The following is an entry in ClinVar:

ClinVar aggregate classification (germline): Uncertain significance (1 of 4 stars; one submission).

Allele frequency attached by ClinVar (database versions not stated): gnomAD exomes 0.00001; ExAC 0.00002.
gnomAD v4.1: 10 of 1,262,428 alleles (0.00079%); highest among the groups gnomAD compares: African/African-American, 0.0015%; no homozygotes.

Submission:

Labcorp Genetics (formerly Invitae), Labcorp
Classification: Uncertain significance. Last evaluated: 2025-08-06. Review status: criteria provided, single submitter. Criteria: Invitae Variant Classification Sherloc (09022015). Collection method: clinical testing. Allele origin: germline.
Comment: This sequence change falls in intron 2 of the POLR3F gene. It does not directly change the encoded amino acid sequence of the POLR3F protein. It affects a nucleotide within the consensus splice site. This variant is present in population databases (rs768208088, gnomAD 0.007%). This variant has not been reported in the literature in individuals affected with POLR3F-related conditions. ClinVar contains an entry for this variant (Variation ID: 2041781). Variants that disrupt the consensus splice site are a relatively common cause of aberrant splicing (PMID: 17576681, 9536098). Algorithms developed to predict the effect of sequence changes on RNA splicing suggest that this variant may disrupt the consensus splice site. In summary, the available evidence is currently insufficient to determine the role of this variant in disease. Therefore, it has been classified as a Variant of Uncertain Significance.

Literature cited by the submitters: PubMed 17576681; PubMed 9536098.

NM_006466.4(POLR3F):c.180+4A>G

Gene: POLR3F (RNA polymerase III subunit F; plus strand). Cytogenetic location: 20p11.23.
Variant type: single nucleotide variant.
Coding change: c.180+4A>G on transcript NM_006466.4 (MANE Select); 4 bases into the intron after coding-DNA position 180, A replaced by G.
Molecular consequence: intron variant.
Genome position (GRCh38, 1-based): chr20:18,469,065, A>G. VCF-style: chr20-18469065-A-G. GRCh37 (hg19) VCF-style: chr20-18449709-A-G.
Other names: c.57+4A>G (NM_001282526.2).
Identifiers: ClinVar variation 2041781 (VCV002041781.4), dbSNP rs768208088, ClinGen allele CA9777451.